The following is an entry in ClinVar:

NM_004385.5(VCAN):c.9727A>G (p.Ser3243Gly)

Genes: VCAN (versican; plus strand), VCAN-AS1 (VCAN antisense RNA 1; minus strand), LOC126807443 (BRD4-independent group 4 enhancer GRCh37_chr5:82849966-82851165; plus strand). Cytogenetic location: 5q14.3.
Variant type: single nucleotide variant.
Coding change: c.9727A>G on transcript NM_004385.5 (MANE Select); coding-DNA position 9727, A replaced by G.
Protein change: p.Ser3243Gly; replaces serine 3243 with glycine.
Molecular consequence: missense variant.
Genome position (GRCh38, 1-based): chr5:83,555,030, A>G. VCF-style: chr5-83555030-A-G. GRCh37 (hg19) VCF-style: chr5-82850849-A-G.
Other names: c.1504A>G, p.Ser502Gly (NM_001126336.3); c.6766A>G, p.Ser2256Gly (NM_001164097.2); c.4465A>G, p.Ser1489Gly (NM_001164098.2); short protein forms S2256G, S3243G, S1489G, S502G.
Identifiers: ClinVar variation 1475252 (VCV001475252.8), dbSNP rs2112472717, ClinGen allele CA360297782.

ClinVar aggregate classification (germline): Uncertain significance (1 of 4 stars; one submission).

Submission:

Labcorp Genetics (formerly Invitae), Labcorp
Classification: Uncertain significance. Last evaluated: 2022-07-05. Review status: criteria provided, single submitter. Criteria: Invitae Variant Classification Sherloc (09022015). Collection method: clinical testing. Allele origin: germline.
Comment: In summary, the available evidence is currently insufficient to determine the role of this variant in disease. Therefore, it has been classified as a Variant of Uncertain Significance. Algorithms developed to predict the effect of missense changes on protein structure and function (SIFT, PolyPhen-2, Align-GVGD) all suggest that this variant is likely to be disruptive. ClinVar contains an entry for this variant (Variation ID: 1475252). This variant has not been reported in the literature in individuals affected with VCAN-related conditions. This variant is not present in population databases (gnomAD no frequency). This sequence change replaces serine, which is neutral and polar, with glycine, which is neutral and non-polar, at codon 3243 of the VCAN protein (p.Ser3243Gly).